The following is an entry in ClinVar:

NM_004187.5(KDM5C):c.2779C>T (p.Gln927Ter)

Gene: KDM5C (lysine demethylase 5C; minus strand). Cytogenetic location: Xp11.22.
Variant type: single nucleotide variant.
Coding change: c.2779C>T on transcript NM_004187.5 (MANE Select); coding-DNA position 2779, C replaced by T.
Protein change: p.Gln927Ter; replaces glutamine 927 with a stop codon.
Molecular consequence: nonsense. On other transcripts: non-coding transcript variant (3).
Genome position (GRCh38, 1-based): chrX:53,196,888, G>A on the plus strand (C>T on the coding strand, the complement: KDM5C is on the minus strand). VCF-style: chrX-53196888-G-A. GRCh37 (hg19) VCF-style: chrX-53226070-G-A.
Other names: c.2578C>T, p.Gln860Ter (NM_001146702.2); c.2776C>T, p.Gln926Ter (NM_001282622.3, NM_001353979.2, NM_001353982.2); c.2779C>T, p.Gln927Ter (NM_001353978.3, NM_001353981.2, NM_001353984.2); short protein forms Q860*, Q926*, Q927*.
Identifiers: ClinVar variation 1342084 (VCV001342084.3), dbSNP rs782141541, ClinGen allele CA413112936.
Genomic context (GRCh38, chrX:53,196,888, plus strand): 5'-AGGTGCCCCTTCGGGCTGAGGGGGCCAGTGTGCGTTTCACCTCATCCAGCCATCGCGCCT[G>A]TTCCACCTGCCGCTGGAGCTGCTGGGCCTCAGGCACCTCCACCCCCAGCTGCCGCCCCCT-3'

ClinVar aggregate classification (germline): Pathogenic (1 of 4 stars; one submission).

Submission:

GeneDx
Classification: Pathogenic. Last evaluated: 2024-03-12. Review status: criteria provided, single submitter. Criteria: GeneDx Variant Classification Process June 2021. Collection method: clinical testing. Allele origin: germline. Affected: yes.
Comment: Nonsense variant predicted to result in protein truncation or nonsense mediated decay in a gene for which loss-of-function is a known mechanism of disease; Not observed at significant frequency in large population cohorts (gnomAD); Has not been previously published as pathogenic or benign to our knowledge